The following is an entry in ClinVar:

NC_000012.11:g.(?_58156116)_(58160862_?)del

Gene: CYP27B1 (cytochrome P450 family 27 subfamily B member 1; minus strand). Cytogenetic location: 12q14.1.
Variant type: Deletion.
Identifiers: ClinVar variation 3385177 (VCV003385177.1).

ClinVar aggregate classification (germline): Pathogenic (1 of 4 stars; one submission).

Conditions:
Vitamin D-dependent rickets, type 1A. Also called: VITAMIN D HYDROXYLATION-DEFICIENT RICKETS, TYPE 1A; PDDR IA; PSEUDOVITAMIN D-DEFICIENCY RICKETS, TYPE IA. Identifiers: MedGen CN283242, MONDO:0020723, OMIM 264700.

Submission:

Women's Health and Genetics/Laboratory Corporation of America, LabCorp
Classification: Pathogenic for Vitamin D-dependent rickets, type 1A. Last evaluated: 2024-10-21. Review status: criteria provided, single submitter. Criteria: LabCorp Variant Classification Summary - May 2015. Collection method: clinical testing. Allele origin: germline.
Comment: Variant summary: The variant involves the deletion of exons 1-9 in the CYP27B1 gene. A presumed nomenclature of c.(?_-38)_(*809_?)del has been designated for the purposes of this classification. This deletion includes the entire coding sequence of the gene. As the exact proximal and distal breakpoints are unknown, it may extend beyond the annotated region of the gene to include other flanking genes. Loss-of-function variants in CYP27B1 are known to be pathogenic (PMID: 9837822). The variant was absent in 21694 control chromosomes (gnomAD SV v2). To our knowledge, no occurrence of c.(?_-38)_(*809_?)del in individuals affected with Vitamin D-dependent rickets and no experimental evidence demonstrating its impact on protein function have been reported. No submitters have cited clinical-significance assessments for this variant to ClinVar. Based on the evidence outlined above, the variant was classified as pathogenic.